The following is an entry in ClinVar:

ClinVar aggregate classification (germline): Likely benign (1 of 4 stars; one submission).

Conditions:
Weill-Marchesani 4 syndrome, recessive. Also called: Weill-Marchesani syndrome 4. Identifiers: Orphanet 363992, MedGen C2750787, MONDO:0013176, OMIM 613195.

Allele frequency attached by ClinVar (database versions not stated): 1000 Genomes Project 0.00180; TOPMed 0.00222; gnomAD 0.00329.

Submission:

Illumina Laboratory Services, Illumina
Classification: Likely benign for Weill-Marchesani 4 syndrome, recessive. Last evaluated: 2018-01-12. Review status: criteria provided, single submitter. Criteria: ICSL Variant Classification Criteria 13 December 2019. Collection method: clinical testing. Allele origin: germline.
Comment: This variant was observed in the ICSL laboratory as part of a predisposition screen in an ostensibly healthy population. It had not been previously curated by ICSL or reported in the Human Gene Mutation Database (HGMD: prior to June 1st, 2018), and was therefore a candidate for classification through an automated scoring system. Utilizing variant allele frequency, disease prevalence and penetrance estimates, and inheritance mode, an automated score was calculated to assess if this variant is too frequent to cause the disease. Based on the score and internal cut-off values, a variant classified as likely benign is not then subjected to further curation. The score for this variant resulted in a classification of likely benign for this disease.

NM_139057.4(ADAMTS17):c.*1244C>G

Gene: ADAMTS17 (ADAM metallopeptidase with thrombospondin type 1 motif 17; minus strand). Cytogenetic location: 15q26.3.
Variant type: single nucleotide variant.
Coding change: c.*1244C>G on transcript NM_139057.4 (MANE Select); 1244 bases downstream of the stop codon, C replaced by G.
Molecular consequence: 3 prime UTR variant.
Genome position (GRCh38, 1-based): chr15:99,973,158, G>C on the plus strand (C>G on the coding strand, the complement: ADAMTS17 is on the minus strand). VCF-style: chr15-99973158-G-C. GRCh37 (hg19) VCF-style: chr15-100513363-G-C.
Identifiers: ClinVar variation 315191 (VCV000315191.5), dbSNP rs561561821, ClinGen allele CA10642840.
Genomic context (GRCh38, chr15:99,973,158, plus strand): 5'-CCTCTGTGCTCTCAAAGAGGCCACTCTGCTTGTCTGCTGCCAGGCGTAAGGGGGCTGCAG[G>C]GGGGAAGGACCTTCCTTCATCATGCATCATCCTTGCCCCACCAAGAAGATGGGTCAATGA-3'